The following is an entry in ClinVar:

ClinVar aggregate classification (germline): Likely benign (0 of 4 stars; one submission).

Conditions:
ITPR2-related disorder. Also called: ITPR2-related condition.

Allele frequency attached by ClinVar (database versions not stated): 1000 Genomes Project 30x 0.00141; ESP Exome Variant Server 0.00141; 1000 Genomes Project 0.00160.
gnomAD v4.1: 436 of 1,612,148 alleles (0.027%); highest among the groups gnomAD compares: African/African-American, 0.51%; no homozygotes.

Submission:

PreventionGenetics, part of Exact Sciences
Classification: Likely benign for ITPR2-related condition. Last evaluated: 2019-03-04. Review status: no assertion criteria provided. Collection method: clinical testing. Allele origin: germline.
Comment: This variant is classified as likely benign based on ACMG/AMP sequence variant interpretation guidelines (Richards et al. 2015 PMID: 25741868, with internal and published modifications).

NM_002223.4(ITPR2):c.495G>A (p.Pro165=)

Gene: ITPR2 (inositol 1,4,5-trisphosphate receptor type 2; minus strand). Cytogenetic location: 12p11.23.
Variant type: single nucleotide variant.
Coding change: c.495G>A on transcript NM_002223.4 (MANE Select); coding-DNA position 495, G replaced by A.
Protein change: p.Pro165=; no amino-acid change (proline 165 retained).
Molecular consequence: synonymous variant.
Genome position (GRCh38, 1-based): chr12:26,722,427, C>T on the plus strand (G>A on the coding strand, the complement: ITPR2 is on the minus strand). VCF-style: chr12-26722427-C-T. GRCh37 (hg19) VCF-style: chr12-26875360-C-T.
Other names: c.495G>A, p.Pro165= (NM_001414174.1, NM_001414175.1).
Identifiers: ClinVar variation 3037589 (VCV003037589.2), dbSNP rs34506525, ClinGen allele CA6490119.